The following is an entry in ClinVar:

NM_001165963.4(SCN1A):c.1724del (p.Phe575fs)

Gene: SCN1A (sodium voltage-gated channel alpha subunit 1; minus strand). Cytogenetic location: 2q24.3.
Variant type: Deletion.
Coding change: c.1724del on transcript NM_001165963.4 (MANE Select); coding-DNA position 1724, one base deleted (T; older notation c.1724delT).
Protein change: p.Phe575fs; shifts the reading frame from phenylalanine 575.
Molecular consequence: frameshift variant. On other transcripts: 5 prime UTR variant (1), non-coding transcript variant (1).
Genome position (GRCh38, 1-based): chr2:166,043,988, A deleted on the plus strand (T on the coding strand, the reverse complement: SCN1A is on the minus strand); the first of 4 consecutive A bases (chr2:166,043,988-166,043,991); deleting any one gives the same sequence. VCF-style (leftmost placement, unchanged base first): chr2-166043987-GA-G. GRCh37 (hg19) VCF-style: chr2-166900497-GA-G.
Other names: c.1724del, p.Phe575fs (NM_001165964.3, NM_001202435.3, NM_001353948.2 and 7 more transcripts); c.1721del, p.Phe574fs (NM_001353954.2, NM_001353955.2, NM_001353960.2); c.-702del (NM_001353961.2); short protein forms F574fs, F575fs.
Identifiers: ClinVar variation 1457550 (VCV001457550.7), dbSNP rs2105844323, ClinGen allele CA2573133537.

ClinVar aggregate classification (germline): Pathogenic (1 of 4 stars; one submission).

Conditions:
Early-infantile DEE. Also called: Early infantile epileptic encephalopathy; Ohtahara syndrome; Early infantile epileptic encephalopathy with suppression bursts. Identifiers: Orphanet 1934, MedGen C0393706, MONDO:0800491.

Submission:

Labcorp Genetics (formerly Invitae), Labcorp
Classification: Pathogenic for Early-infantile DEE. Last evaluated: 2022-08-16. Review status: criteria provided, single submitter. Criteria: Invitae Variant Classification Sherloc (09022015). Collection method: clinical testing. Allele origin: germline.
Comment: For these reasons, this variant has been classified as Pathogenic. ClinVar contains an entry for this variant (Variation ID: 1457550). This premature translational stop signal has been observed in individual(s) with Dravet syndrome (PMID: 24328833). In at least one individual the variant was observed to be de novo. This variant is not present in population databases (gnomAD no frequency). This sequence change creates a premature translational stop signal (p.Phe575Serfs*48) in the SCN1A gene. It is expected to result in an absent or disrupted protein product. Loss-of-function variants in SCN1A are known to be pathogenic (PMID: 17347258, 18930999).

Literature cited by the submitters: PubMed 24328833; PubMed 17347258; PubMed 18930999.